The following is an entry in ClinVar:

NM_001482.3(GATM):c.1043-3T>C

Gene: GATM (glycine amidinotransferase; minus strand). Cytogenetic location: 15q21.1.
Variant type: single nucleotide variant.
Coding change: c.1043-3T>C on transcript NM_001482.3 (MANE Select); 3 bases into the intron before coding-DNA position 1043, T replaced by C.
Molecular consequence: intron variant.
Genome position (GRCh38, 1-based): chr15:45,364,019, A>G on the plus strand (T>C on the coding strand, the complement: GATM is on the minus strand). VCF-style: chr15-45364019-A-G. GRCh37 (hg19) VCF-style: chr15-45656217-A-G.
Other names: c.656-3T>C (NM_001321015.2).
Identifiers: ClinVar variation 587965 (VCV000587965.18), dbSNP rs772985563, ClinGen allele CA7542789.

ClinVar aggregate classification (germline): Uncertain significance. Review status: reviewed by expert panel (3 of 4 stars). 4 submissions from 4 submitters: Uncertain significance (1). 3 of the submissions do not count toward it. Last evaluated 2026-05-13.

Conditions:
Inborn genetic diseases. Identifiers: MedGen C0950123, MeSH D030342.
Arginine:glycine amidinotransferase deficiency (CCDS3). Also called: L-Arginine:Glycine Amidinotransferase (AGAT) Deficiency; Cerebral creatine deficiency syndrome 3; L-Arginine:Glycine Amidinotransferase Deficiency; Creatine deficiency syndrome due to AGAT deficiency; GATM deficiency; AGAT deficiency. Identifiers: Orphanet 35704, MedGen C2675179, MONDO:0012996, OMIM 612718.

Allele frequency attached by ClinVar (database versions not stated): TOPMed 0.00005; ExAC 0.00002; gnomAD exomes 0.00003; gnomAD 0.00004.
gnomAD v4.1: 51 of 1,508,800 alleles (0.0034%); highest among the groups gnomAD compares: Admixed American, 0.015%; no homozygotes.

Submissions (4):

ClinGen Cerebral Creatine Deficiency Syndromes Variant Curation Expert Panel, ClinGen
Classification: Uncertain significance for Arginine:glycine amidinotransferase deficiency. Last evaluated: 2026-05-13. Review status: reviewed by expert panel. Criteria: ClinGen CCDS ACMG Specifications GATM V2.0.0. Collection method: curation. Allele origin: germline. Inheritance: Autosomal recessive inheritance.
Comment: The NM_001482.3:c.1043-3T>C variant in GATM is an intronic variant affecting a nucleotide within the consensus splice region of intron 7. To our knowledge, this variant has not been reported in the literature and results of functional studies are unavailable. The Total GrpMax filtering allele frequency in gnomAD v4.1.0. is 0.00007745 from the Admixed American genetic ancestry group (the lower threshold of the 95% CI of 9/59888 alleles), which is lower than the ClinGen CCDS VCEP's threshold 0.0001 for BS1, but higher than the VCEP's MAF threshold for PM2_Supporting (<0.000055). Therefore, no population criteria are met. The computational splicing predictor SpliceAI suggests that the variant has no impact on splicing (all scores are <0.1) (BP4). There is a ClinVar entry for this variant (Variation ID: 587965). In summary, this variant meets the criteria to be classified as a variant of uncertain significance for AGAT deficiency based on the GATM-specific ACMG/AMP criteria applied, as specified by the ClinGen Cerebral Creatine Deficiency Syndromes Variant Curation Expert Panel (Specifications Version 2.0.0): BP4. (Classification approved by the ClinGen Cerebral Creatine Deficiency Syndromes Variant Curation Expert Panel on April 24, 2026).

Labcorp Genetics (formerly Invitae), Labcorp
Classification: Uncertain significance for Arginine:glycine amidinotransferase deficiency. Last evaluated: 2026-01-28. Review status: criteria provided, single submitter. Criteria: Invitae Variant Classification Sherloc (09022015). Collection method: clinical testing. Allele origin: germline. Not counted in ClinVar's aggregate classification.
Comment: This sequence change falls in intron 7 of the GATM gene. It does not directly change the encoded amino acid sequence of the GATM protein. It affects a nucleotide within the consensus splice site. This variant is present in population databases (rs772985563, gnomAD 0.01%). This variant has not been reported in the literature in individuals affected with GATM-related conditions. ClinVar contains an entry for this variant (Variation ID: 587965). Variants that disrupt the consensus splice site are a relatively common cause of aberrant splicing (PMID: 17576681, 9536098). Algorithms developed to predict the effect of sequence changes on RNA splicing suggest that this variant is not likely to affect RNA splicing. In summary, the available evidence is currently insufficient to determine the role of this variant in disease. Therefore, it has been classified as a Variant of Uncertain Significance.

Ambry Genetics
Classification: Uncertain significance for Inborn genetic diseases. Last evaluated: 2016-06-13. Review status: criteria provided, single submitter. Criteria: Ambry Variant Classification Scheme 2023. Collection method: clinical testing. Allele origin: germline. Not counted in ClinVar's aggregate classification.
Comment: The c.1043-3T>C intronic variant results from a T to C substitution 3 nucleotides upstream from coding exon 8 in the GATM gene. This variant was not reported in population based cohorts in the following databases: Database of Single Nucleotide Polymorphisms (dbSNP), NHLBI Exome Sequencing Project (ESP), and 1000 Genomes Project. In the ESP, this variant was not observed in 6496 samples (12992 alleles) with coverage at this position. This nucleotide position is not well conserved in available vertebrate species. Using the BDGP and ESEfinder splice site prediction tools, this alteration is not predicted to have any significant effect on this splice acceptor site; however, direct evidence is unavailable. Since supporting evidence is limited at this time, the clinical significance of this variant remains unclear.

GeneDx
Classification: Benign. Last evaluated: 2015-03-03. Review status: criteria provided, single submitter. Criteria: GeneDx Variant Classification Process June 2021. Collection method: clinical testing. Allele origin: germline. Affected: yes. Not counted in ClinVar's aggregate classification.

Literature cited by the submitters: PubMed 17576681 (cited by Labcorp Genetics (formerly Invitae), Labcorp); PubMed 9536098 (cited by Labcorp Genetics (formerly Invitae), Labcorp).